The following is an entry in ClinVar:

ClinVar aggregate classification (germline): Conflicting classifications of pathogenicity. Review status: criteria provided, conflicting classifications (1 of 4 stars). 6 submissions from 6 submitters: Uncertain significance (3); Likely benign (1). 2 of the submissions do not count toward it. Last evaluated 2026-06-01.

Conditions:
Inborn genetic diseases. Identifiers: MedGen C0950123, MeSH D030342.
PTPN23-related disorder. Also called: PTPN23-related condition.
Brain atrophy. Identifiers: MedGen C4551584, HP:0012444.
Global developmental delay (DD). Also called: Cognitive delay. Identifiers: MedGen C0557874, HP:0001263. Disease mechanism: loss of function.

Allele frequency attached by ClinVar (database versions not stated): ExAC 0.00016; gnomAD exomes 0.00025 and 0.00061; ESP Exome Variant Server 0.00031; TOPMed 0.00039; gnomAD 0.00044 and 0.00051.
gnomAD v4.1: 925 of 1,529,134 alleles (0.06%); highest among the groups gnomAD compares: Non-Finnish European, 0.075%; 1 homozygote.

Submissions (6):

CeGaT Center for Human Genetics Tuebingen
Classification: Uncertain significance. Last evaluated: 2026-06-01. Review status: criteria provided, single submitter. Criteria: CeGaT Center For Human Genetics Tuebingen Variant Classification Criteria Version 2. Collection method: clinical testing. Allele origin: germline. Affected: yes. Observed: 3 variant alleles.

Labcorp Genetics (formerly Invitae), Labcorp
Classification: Likely benign. Last evaluated: 2025-12-16. Review status: criteria provided, single submitter. Criteria: Invitae Variant Classification Sherloc (09022015). Collection method: clinical testing. Allele origin: germline.

Blueprint Genetics
Classification: Uncertain significance. Last evaluated: 2024-09-16. Review status: criteria provided, single submitter. Criteria: ACMG Guidelines, 2015. Collection method: clinical testing. Allele origin: germline.

Ambry Genetics
Classification: Uncertain significance for Inborn genetic diseases. Last evaluated: 2022-09-17. Review status: criteria provided, single submitter. Criteria: Ambry Variant Classification Scheme 2023. Collection method: clinical testing. Allele origin: germline.

PreventionGenetics, part of Exact Sciences
Classification: Uncertain significance for PTPN23-related condition. Last evaluated: 2023-11-14. Review status: no assertion criteria provided. Collection method: clinical testing. Allele origin: germline. Not counted in ClinVar's aggregate classification.
Comment: The PTPN23 c.3051G>C variant is predicted to result in the amino acid substitution p.Gln1017His. This variant was reported in the compound heterozygous state in an individual with neurodevelopmental delay and structural brain abnormalities, although another more rare potentially causative variant was in cis with this variant (Bend et al. 2020. PubMed ID: 31395947). This variant is reported in 0.041% of alleles in individuals of European (Non-Finnish) descent in gnomAD, including one homozygous individual. At this time, the clinical significance of this variant is uncertain due to the absence of conclusive functional and genetic evidence.

Regeneron Genetics Center, Regeneron
Classification: Uncertain significance for Global developmental delay; Brain atrophy. Last evaluated: 2019-02-15. Review status: no assertion criteria provided. Collection method: research. Allele origin: germline. Affected: yes. Not counted in ClinVar's aggregate classification.
Comment: Identified in cohort of patients with neurodevelopmental disorder accompanied by structural brain abnormalities

Literature cited by the submitters: PubMed 31395947 (cited by Ambry Genetics).

NM_015466.4(PTPN23):c.3051G>C (p.Gln1017His)

Gene: PTPN23 (protein tyrosine phosphatase non-receptor type 23; plus strand). Cytogenetic location: 3p21.31.
Variant type: single nucleotide variant.
Coding change: c.3051G>C on transcript NM_015466.4 (MANE Select); coding-DNA position 3051, G replaced by C.
Protein change: p.Gln1017His; replaces glutamine 1017 with histidine.
Molecular consequence: missense variant.
Genome position (GRCh38, 1-based): chr3:47,410,849, G>C. VCF-style: chr3-47410849-G-C. GRCh37 (hg19) VCF-style: chr3-47452339-G-C.
Other names: c.2673G>C, p.Gln891His (NM_001304482.2); c.3051G>C (NM_015466.2, NM_015466.3); short protein forms Q1017H, Q891H.
Identifiers: ClinVar variation 636324 (VCV000636324.43), dbSNP rs201017613, ClinGen allele CA2366183.